The following is an entry in ClinVar:

NM_005902.4(SMAD3):c.303C>T (p.His101=)

Gene: SMAD3 (SMAD family member 3; plus strand). Cytogenetic location: 15q22.33.
Variant type: single nucleotide variant.
Coding change: c.303C>T on transcript NM_005902.4 (MANE Select); coding-DNA position 303, C replaced by T.
Protein change: p.His101=; no amino-acid change (histidine 101 retained).
Molecular consequence: synonymous variant. On other transcripts: 5 prime UTR variant (1).
Genome position (GRCh38, 1-based): chr15:67,164,991, C>T. VCF-style: chr15-67164991-C-T. GRCh37 (hg19) VCF-style: chr15-67457329-C-T.
Other names: c.-13C>T (NM_001145102.2); c.171C>T, p.His57= (NM_001145103.2).
Identifiers: ClinVar variation 926301 (VCV000926301.20), dbSNP rs762889441, ClinGen allele CA272378584.

ClinVar aggregate classification (germline): Conflicting classifications of pathogenicity. Review status: criteria provided, conflicting classifications (1 of 4 stars). 6 submissions from 6 submitters: Uncertain significance (1); Likely benign (5). Last evaluated 2025-10-02.

Conditions:
Familial thoracic aortic aneurysm and aortic dissection (TAAD). Also called: Thoracic aortic aneurysms and dissections. Identifiers: Orphanet 91387, MedGen C4707243, MONDO:0019625.
Aneurysm-osteoarthritis syndrome. Also called: SMAD3-Related Loeys-Dietz Syndrome; ANEURYSMS-OSTEOARTHRITIS SYNDROME; LOEYS-DIETZ SYNDROME WITH OSTEOARTHRITIS; Loeys-Dietz syndrome, type 1C. Identifiers: Orphanet 284984, MedGen C3151087, MONDO:0013426, OMIM 613795.
Ehlers-Danlos syndrome (EDS). Identifiers: Orphanet 98249, MedGen C0013720, MONDO:0020066.

Allele frequency attached by ClinVar (database versions not stated): gnomAD exomes below 0.00001; gnomAD 0.00001; TOPMed 0.00001.
gnomAD v4.1: 7 of 1,614,018 alleles (0.00043%); highest among the groups gnomAD compares: East Asian, 0.0022%; no homozygotes.

Submissions (6):

Labcorp Genetics (formerly Invitae), Labcorp
Classification: Likely benign for Familial thoracic aortic aneurysm and aortic dissection. Last evaluated: 2025-10-02. Review status: criteria provided, single submitter. Criteria: Invitae Variant Classification Sherloc (09022015). Collection method: clinical testing. Allele origin: germline.

CeGaT Center for Human Genetics Tuebingen
Classification: Likely benign. Last evaluated: 2025-07-01. Review status: criteria provided, single submitter. Criteria: CeGaT Center For Human Genetics Tuebingen Variant Classification Criteria Version 2. Collection method: clinical testing. Allele origin: germline. Affected: yes. Observed: 1 variant allele.
Comment: SMAD3: BP4, BP7

All of Us Research Program, National Institutes of Health
Classification: Likely benign for Aneurysm-osteoarthritis syndrome. Last evaluated: 2023-12-01. Review status: criteria provided, single submitter. Criteria: ACMG Guidelines, 2015. Collection method: clinical testing. Allele origin: germline. Inheritance: Autosomal dominant inheritance. Observed: 4 variant alleles, 4 heterozygotes.
Comment: This study involves interpretation of variants in research participants for the purpose of population health screening. Participant phenotype was not available at the time of variant classification. Additional details can be found in publication PMID: 35346344, PMCID: PMC8962531

Genome Diagnostics Laboratory, The Hospital for Sick Children
Classification: Uncertain significance for Ehlers-Danlos syndrome. Last evaluated: 2022-04-18. Review status: criteria provided, single submitter. Criteria: ACMG Guidelines, 2015. Collection method: clinical testing. Allele origin: germline.

Color Diagnostics, LLC DBA Color Health
Classification: Likely benign for Familial thoracic aortic aneurysm and aortic dissection. Last evaluated: 2019-10-30. Review status: criteria provided, single submitter. Criteria: ACMG Guidelines, 2015. Collection method: clinical testing. Allele origin: germline.

Ambry Genetics
Classification: Likely benign for Familial thoracic aortic aneurysm and aortic dissection. Last evaluated: 2019-08-30. Review status: criteria provided, single submitter. Criteria: Ambry Variant Classification Scheme 2023. Collection method: clinical testing. Allele origin: germline.